The following is an entry in ClinVar:

ClinVar aggregate classification (germline): Pathogenic (1 of 4 stars; one submission).

Conditions:
Glycogen storage disease type III (GSD3). Also called: FORBES DISEASE; Cori disease. Identifiers: Orphanet 366, MedGen C0017922, MONDO:0009291, OMIM 232400.

Submission:

Myriad Genetics, Inc.
Classification: Pathogenic for Glycogen storage disease type III. Last evaluated: 2025-01-25. Review status: criteria provided, single submitter. Criteria: Myriad Autosomal Dominant, Autosomal Recessive and X-Linked Classification Criteria (2023). Collection method: clinical testing. Allele origin: unknown.
Comment: NM_000642.2(AGL):c.1264A>T(K422*) is expected to be pathogenic in the context of glycogen storage disease type III. This variant is predicted to lead to an abnormal or absent protein product due to the creation of a premature termination codon in AGL, a gene where loss-of-function variants are known to be pathogenic. Please note: this variant was assessed in the context of healthy population screening.

NM_000642.3(AGL):c.1264A>T (p.Lys422Ter)

Gene: AGL (amylo-alpha-1,6-glucosidase and 4-alpha-glucanotransferase; plus strand). Cytogenetic location: 1p21.2.
Variant type: single nucleotide variant.
Coding change: c.1264A>T on transcript NM_000642.3 (MANE Select); coding-DNA position 1264, A replaced by T.
Protein change: p.Lys422Ter; replaces lysine 422 with a stop codon.
Molecular consequence: nonsense. On other transcripts: intron variant (1).
Genome position (GRCh38, 1-based): chr1:99,875,436, A>T. VCF-style: chr1-99875436-A-T. GRCh37 (hg19) VCF-style: chr1-100340992-A-T.
Other names: c.1264A>T, p.Lys422Ter (NM_000028.3, NM_000643.3, NM_000644.3 and 2 more transcripts); c.1216A>T, p.Lys406Ter (NM_000646.3); c.1060A>T, p.Lys354Ter (NM_001425328.1, NM_001425329.1); c.886A>T, p.Lys296Ter (NM_001425332.1); c.1082+626A>T (NM_001425327.1); short protein forms K296*, K354*, K406*, K422*.
Identifiers: ClinVar variation 5013515 (VCV005013515.1).